The following is an entry in ClinVar:

ClinVar aggregate classification (germline): Uncertain significance. Review status: criteria provided, multiple submitters, no conflicts (2 of 4 stars). 3 submissions from 3 submitters: Uncertain significance (3). Last evaluated 2024-01-05.

Conditions:
Epilepsy, X-linked 1, with variable learning disabilities and behavior disorders. Also called: X-linked epilepsy-learning disabilities-behavior disorders syndrome. Identifiers: Orphanet 85294, MedGen C5774177, MONDO:0010339, OMIM 300491.

Allele frequency attached by ClinVar (database versions not stated): gnomAD 0.00001; gnomAD exomes 0.00001 and 0.00005; TOPMed 0.00001.
gnomAD v4.1: 48 of 1,151,442 alleles (0.0042%); highest among the groups gnomAD compares: Non-Finnish European, 0.0054%; no homozygotes.

Submissions (3):

Labcorp Genetics (formerly Invitae), Labcorp
Classification: Uncertain significance for Epilepsy, X-linked 1, with variable learning disabilities and behavior disorders. Last evaluated: 2024-01-05. Review status: criteria provided, single submitter. Criteria: Invitae Variant Classification Sherloc (09022015). Collection method: clinical testing. Allele origin: germline.
Comment: This sequence change replaces alanine, which is neutral and non-polar, with valine, which is neutral and non-polar, at codon 648 of the SYN1 protein (p.Ala648Val). The frequency data for this variant in the population databases is considered unreliable, as metrics indicate poor data quality at this position in the gnomAD database. This variant has not been reported in the literature in individuals affected with SYN1-related conditions. ClinVar contains an entry for this variant (Variation ID: 207476). Experimental studies and prediction algorithms are not available or were not evaluated, and the functional significance of this variant is currently unknown. In summary, the available evidence is currently insufficient to determine the role of this variant in disease. Therefore, it has been classified as a Variant of Uncertain Significance.

Blueprint Genetics
Classification: Uncertain significance. Last evaluated: 2023-09-26. Review status: criteria provided, single submitter. Criteria: ACMG Guidelines, 2015. Collection method: clinical testing. Allele origin: germline.

GeneDx
Classification: Uncertain significance. Last evaluated: 2014-02-06. Review status: criteria provided, single submitter. Criteria: GeneDx Variant Classification (06012015). Collection method: clinical testing. Allele origin: germline. Affected: yes.
Comment: The A648V missense change in the SYN1 gene has not been published as a mutation, nor has it been reported as a benign polymorphism to our knowledge. It was not observed in approximately 4,600 individuals of European and African American ancestry in the NHLBI Exome Sequencing Project, indicating it is not a common benign variant in these populations. This variant is a conservative substitution of one uncharged, non-polar amino acid for another at a position that is not conserved across species. However, in silico analysis is inconsistent with regard to the effect this variant may have on the protein structure/function. The possibility that A648V is a disease-associated mutation cannot be excluded, since mutations in SYN1 are inherited in an X-linked manner and heterozygous female carriers of SYN1 mutations may be unaffected (Garcia et al., 2004) The variant is found in EPILEPSY panel(s).

NM_006950.3(SYN1):c.1943C>T (p.Ala648Val)

Gene: SYN1 (synapsin I; minus strand). Cytogenetic location: Xp11.3.
Variant type: single nucleotide variant.
Coding change: c.1943C>T on transcript NM_006950.3 (MANE Select); coding-DNA position 1943, C replaced by T.
Protein change: p.Ala648Val; replaces alanine 648 with valine.
Molecular consequence: missense variant.
Genome position (GRCh38, 1-based): chrX:47,574,041, G>A on the plus strand (C>T on the coding strand, the complement: SYN1 is on the minus strand). VCF-style: chrX-47574041-G-A. GRCh37 (hg19) VCF-style: chrX-47433440-G-A.
Other names: p.A648V:GCC>GTC; c.1943C>T, p.Ala648Val (NM_133499.2); short protein forms A648V.
Identifiers: ClinVar variation 207476 (VCV000207476.12), dbSNP rs796053397, ClinGen allele CA318967.
Genomic context (GRCh38, chrX:47,574,041, plus strand): 5'-CTGCTGTAGGGGTCCCCTTACTTGAGCTGGGGGTGCGGAGGTCCCCCTGCAGCGGCGGTG[G>A]CGGGTGGCGGCACGTCCTGGCTGGGTTTCTGGGCCAGCTGTGGTTTGGGACGTCCAGCGG-3'
Protein context (NP_008881.2, residues 638-658): QKPSQDVPPP[Ala648Val]TAAAGGPPHP